The following is an entry in ClinVar:

ClinVar aggregate classification (germline): Conflicting classifications of pathogenicity. Review status: criteria provided, conflicting classifications (1 of 4 stars). 2 submissions from 2 submitters: Uncertain significance (1); Likely benign (1). Last evaluated 2024-12-16.

Allele frequency attached by ClinVar (database versions not stated): gnomAD exomes below 0.00001; ExAC 0.00002; TOPMed 0.00002; gnomAD 0.00004; ESP Exome Variant Server 0.00015.
gnomAD v4.1: 9 of 1,613,874 alleles (0.00056%); highest among the groups gnomAD compares: African/African-American, 0.011%; no homozygotes.

Submissions (2):

GeneDx
Classification: Uncertain significance. Last evaluated: 2024-12-16. Review status: criteria provided, single submitter. Criteria: GeneDx Variant Classification Process June 2021. Collection method: clinical testing. Allele origin: germline. Affected: yes.
Comment: In silico analysis indicates that this missense variant does not alter protein structure/function; Has not been previously published as pathogenic or benign to our knowledge

Labcorp Genetics (formerly Invitae), Labcorp
Classification: Likely benign. Last evaluated: 2024-03-10. Review status: criteria provided, single submitter. Criteria: Invitae Variant Classification Sherloc (09022015). Collection method: clinical testing. Allele origin: germline.

NM_194248.3(OTOF):c.1198A>G (p.Ile400Val)

Gene: OTOF (otoferlin; minus strand). Cytogenetic location: 2p23.3.
Variant type: single nucleotide variant.
Coding change: c.1198A>G on transcript NM_194248.3 (MANE Select); coding-DNA position 1198, A replaced by G.
Protein change: p.Ile400Val; replaces isoleucine 400 with valine.
Molecular consequence: missense variant.
Genome position (GRCh38, 1-based): chr2:26,484,481, T>C on the plus strand (A>G on the coding strand, the complement: OTOF is on the minus strand). VCF-style: chr2-26484481-T-C. GRCh37 (hg19) VCF-style: chr2-26707349-T-C.
Other names: c.1198A>G, p.Ile400Val (NM_001287489.2); short protein forms I400V.
Identifiers: ClinVar variation 2968631 (VCV002968631.4), dbSNP rs369416370, ClinGen allele CA1564359.